The following is an entry in ClinVar:

ClinVar aggregate classification (germline): Uncertain significance (1 of 4 stars; one submission).

Conditions:
Inborn genetic diseases. Identifiers: MedGen C0950123, MeSH D030342.

Submission:

Ambry Genetics
Classification: Uncertain significance for Inborn genetic diseases. Last evaluated: 2026-08-17. Review status: criteria provided, single submitter. Criteria: Ambry Variant Classification Scheme 2023. Collection method: clinical testing. Allele origin: germline.
Comment: The p.I894T variant (also known as c.2681T>C), located in coding exon 18 of the PIK3CA gene, results from a T to C substitution at nucleotide position 2681. The isoleucine at codon 894 is replaced by threonine, an amino acid with similar properties. This amino acid position is conserved. In addition, the in silico prediction for this alteration is inconclusive. Based on the available evidence, the clinical significance of this variant remains unclear.

NM_006218.4(PIK3CA):c.2681T>C (p.Ile894Thr)

Gene: PIK3CA (phosphatidylinositol-4,5-bisphosphate 3-kinase catalytic subunit alpha; plus strand). Cytogenetic location: 3q26.32.
Variant type: single nucleotide variant.
Coding change: c.2681T>C on transcript NM_006218.4 (MANE Select); coding-DNA position 2681, T replaced by C.
Protein change: p.Ile894Thr; replaces isoleucine 894 with threonine.
Molecular consequence: missense variant.
Genome position (GRCh38, 1-based): chr3:179,230,018, T>C. VCF-style: chr3-179230018-T-C. GRCh37 (hg19) VCF-style: chr3-178947806-T-C.
Other names: short protein forms I894T.
Identifiers: ClinVar variation 5026703 (VCV005026703.1).